The following is an entry in ClinVar:

NM_004453.4(ETFDH):c.587C>A (p.Pro196His)

Gene: ETFDH (electron transfer flavoprotein dehydrogenase; plus strand). Cytogenetic location: 4q32.1.
Variant type: single nucleotide variant.
Coding change: c.587C>A on transcript NM_004453.4 (MANE Select); coding-DNA position 587, C replaced by A.
Protein change: p.Pro196His; replaces proline 196 with histidine.
Molecular consequence: missense variant.
Genome position (GRCh38, 1-based): chr4:158,685,200, C>A. VCF-style: chr4-158685200-C-A. GRCh37 (hg19) VCF-style: chr4-159606352-C-A.
Other names: c.446C>A, p.Pro149His (NM_001281737.2); c.404C>A, p.Pro135His (NM_001281738.1); short protein forms P135H, P149H, P196H.
Identifiers: ClinVar variation 3375335 (VCV003375335.2).

ClinVar aggregate classification (germline): Conflicting classifications of pathogenicity. Review status: criteria provided, conflicting classifications (1 of 4 stars). 2 submissions from 2 submitters: Likely pathogenic (1); Uncertain significance (1). Last evaluated 2024-09-20.

Conditions:
Multiple acyl-CoA dehydrogenase deficiency (MADD). Also called: Glutaric aciduria, type 2; Glutaric Acidemia type 2; GA II; ETHYLMALONIC-ADIPICACIDURIA; Glutaric acidemia type II; GA 2. Identifiers: Orphanet 26791, MedGen C0268596, MONDO:0009282, OMIM 231680.

Submissions (2):

Women's Health and Genetics/Laboratory Corporation of America, LabCorp
Classification: Likely pathogenic for Multiple acyl-CoA dehydrogenase deficiency. Last evaluated: 2024-09-20. Review status: criteria provided, single submitter. Criteria: LabCorp Variant Classification Summary - May 2015. Collection method: clinical testing. Allele origin: germline.
Comment: Variant summary: ETFDH c.587C>A (p.Pro196His) results in a non-conservative amino acid change located in the ETF-QO/FixX, C-terminal domain (IPR007859) of the encoded protein sequence. Five of five in-silico tools predict a damaging effect of the variant on protein function. The variant was absent in 251450 control chromosomes. c.587C>A has been reported in the literature in homozygous individuals affected with a lipid storage myopathy with clinical features of Glutaric Aciduria, Type 2c (e.g. Vengalil_2022). These data indicate that the variant is likely to be associated with disease. To our knowledge, no experimental evidence demonstrating an impact on protein function has been reported. The following publication has been ascertained in the context of this evaluation (PMID: 35342266). No submitters have cited clinical-significance assessments for this variant to ClinVar. Based on the evidence outlined above, the variant was classified as likely pathogenic.

Revvity Omics, Revvity
Classification: Uncertain significance for Multiple acyl-CoA dehydrogenase deficiency. Last evaluated: 2023-08-24. Review status: criteria provided, single submitter. Criteria: ACMG Guidelines, 2015. Collection method: clinical testing. Allele origin: germline.

Literature cited by the submitters: PubMed 35342266 (cited by Women's Health and Genetics/Laboratory Corporation of America, LabCorp).